The following is an entry in ClinVar:

NM_001148.6(ANK2):c.8763T>A (p.Asp2921Glu)

Gene: ANK2 (ankyrin 2; plus strand). Cytogenetic location: 4q26.
Variant type: single nucleotide variant.
Coding change: c.8763T>A on transcript NM_001148.6 (MANE Select); coding-DNA position 8763, T replaced by A.
Protein change: p.Asp2921Glu; replaces aspartic acid 2921 with glutamic acid.
Molecular consequence: missense variant. On other transcripts: intron variant (68).
Genome position (GRCh38, 1-based): chr4:113,357,381, T>A. VCF-style: chr4-113357381-T-A. GRCh37 (hg19) VCF-style: chr4-114278537-T-A.
Other names: c.4325-3442T>A (NM_001354236.2); c.4463-3442T>A (NM_001354232.2); c.4328-3442T>A (NM_001354228.2, NM_001354258.2); c.4265-3442T>A (NM_001354245.2, NM_001354262.2, NM_001354275.2); c.4229-3442T>A (NM_001354268.2); c.4127-3442T>A (NM_001354273.2); c.4427-3442T>A (NM_020977.5); c.4484-3442T>A (NM_001386152.1); and 35 more; short protein forms D1721E, D2843E, D2921E, D2960E, D2968E.
Identifiers: ClinVar variation 1320377 (VCV001320377.7), dbSNP rs2154027682, ClinGen allele CA357934775.

ClinVar aggregate classification (germline): Uncertain significance. Review status: criteria provided, multiple submitters, no conflicts (2 of 4 stars). 2 submissions from 2 submitters: Uncertain significance (2). Last evaluated 2022-03-18.

Conditions:
Long QT syndrome (LQTS). Identifiers: MedGen C0023976, MeSH D008133, MONDO:0002442. Disease mechanism: loss of function. Inheritance: Various modes of inheritance.

Submissions (2):

Labcorp Genetics (formerly Invitae), Labcorp
Classification: Uncertain significance for Long QT syndrome. Last evaluated: 2022-03-18. Review status: criteria provided, single submitter. Criteria: Invitae Variant Classification Sherloc (09022015). Collection method: clinical testing. Allele origin: germline.
Comment: In summary, the available evidence is currently insufficient to determine the role of this variant in disease. Therefore, it has been classified as a Variant of Uncertain Significance. Algorithms developed to predict the effect of missense changes on protein structure and function output the following: SIFT: "Tolerated"; PolyPhen-2: "Benign"; Align-GVGD: "Class C0". The glutamic acid amino acid residue is found in multiple mammalian species, which suggests that this missense change does not adversely affect protein function. ClinVar contains an entry for this variant (Variation ID: 1320377). This variant has not been reported in the literature in individuals affected with ANK2-related conditions. This variant is not present in population databases (gnomAD no frequency). This sequence change replaces aspartic acid, which is acidic and polar, with glutamic acid, which is acidic and polar, at codon 2921 of the ANK2 protein (p.Asp2921Glu).

GeneDx
Classification: Uncertain significance. Last evaluated: 2020-03-27. Review status: criteria provided, single submitter. Criteria: GeneDx Variant Classification Process June 2021. Collection method: clinical testing. Allele origin: germline. Affected: yes.
Comment: Has not been previously published as pathogenic or benign to our knowledge; Not observed in large population cohorts (Lek et al., 2016); In silico analysis supports that this missense variant does not alter protein structure/function